The following is an entry in ClinVar:

NM_000540.3(RYR1):c.4310G>A (p.Arg1437Lys)

Gene: RYR1 (ryanodine receptor 1; plus strand). Cytogenetic location: 19q13.2.
Variant type: single nucleotide variant.
Coding change: c.4310G>A on transcript NM_000540.3 (MANE Select); coding-DNA position 4310, G replaced by A.
Protein change: p.Arg1437Lys; replaces arginine 1437 with lysine.
Molecular consequence: missense variant.
Genome position (GRCh38, 1-based): chr19:38,477,726, G>A. VCF-style: chr19-38477726-G-A. GRCh37 (hg19) VCF-style: chr19-38968366-G-A.
Other names: c.4310G>A, p.Arg1437Lys (NM_001042723.2); short protein forms R1437K.
Identifiers: ClinVar variation 579089 (VCV000579089.8), dbSNP rs1568474736, ClinGen allele CA405645683.

ClinVar aggregate classification (germline): Uncertain significance (1 of 4 stars; one submission).

Conditions:
RYR1-related disorder. Also called: RYR1-related disorders; RYR1-related condition. Identifiers: MedGen CN239331.

Allele frequency attached by ClinVar (database versions not stated): gnomAD exomes below 0.00001.
gnomAD v4.1: 1 of 1,614,160 alleles (0.000062%); highest among the groups gnomAD compares: African/African-American, 0.0013%; no homozygotes.

Submission:

Labcorp Genetics (formerly Invitae), Labcorp
Classification: Uncertain significance for RYR1-related disorder. Last evaluated: 2018-04-08. Review status: criteria provided, single submitter. Criteria: Invitae Variant Classification Sherloc (09022015). Collection method: clinical testing. Allele origin: germline.
Comment: This sequence change replaces arginine with lysine at codon 1437 of the RYR1 protein (p.Arg1437Lys). The arginine residue is highly conserved and there is a small physicochemical difference between arginine and lysine. This variant is not present in population databases (ExAC no frequency). This variant has not been reported in the literature in individuals with RYR1-related disease. Algorithms developed to predict the effect of missense changes on protein structure and function do not agree on the potential impact of this missense change (SIFT: "Deleterious"; PolyPhen-2: "Probably Damaging"; Align-GVGD: "Class C0"). Algorithms developed to predict the effect of sequence changes on RNA splicing suggest that this variant may create or strengthen a splice site, but this prediction has not been confirmed by published transcriptional studies. In summary, the available evidence is currently insufficient to determine the role of this variant in disease. Therefore, it has been classified as a Variant of Uncertain Significance.